The following is an entry in ClinVar:

NM_024105.4(ALG12):c.842T>G (p.Leu281Arg)

Gene: ALG12 (ALG12 alpha-1,6-mannosyltransferase; minus strand). Cytogenetic location: 22q13.33.
Variant type: single nucleotide variant.
Coding change: c.842T>G on transcript NM_024105.4 (MANE Select); coding-DNA position 842, T replaced by G.
Protein change: p.Leu281Arg; replaces leucine 281 with arginine.
Molecular consequence: missense variant.
Genome position (GRCh38, 1-based): chr22:49,907,871, A>C on the plus strand (T>G on the coding strand, the complement: ALG12 is on the minus strand). VCF-style: chr22-49907871-A-C. GRCh37 (hg19) VCF-style: chr22-50301519-A-C.
Other names: c.842T>G (NM_024105.3); short protein forms L281R.
Identifiers: ClinVar variation 1465510 (VCV001465510.7), dbSNP rs767435558, ClinGen allele CA10300427.

ClinVar aggregate classification (germline): Uncertain significance. Review status: criteria provided, multiple submitters, no conflicts (2 of 4 stars). 2 submissions from 2 submitters: Uncertain significance (2). Last evaluated 2025-08-21.

Conditions:
Inborn genetic diseases. Identifiers: MedGen C0950123, MeSH D030342.
ALG12-congenital disorder of glycosylation (CDG1G). Also called: ALG12-CDG; Congenital disorder of glycosylation, type Ig; CDG Ig. Identifiers: Orphanet 79324, MedGen C2931001, MONDO:0011783, OMIM 607143.

Allele frequency attached by ClinVar (database versions not stated): gnomAD exomes 0.00001; ExAC 0.00002; gnomAD 0.00002 and 0.00003; TOPMed 0.00003.
gnomAD v4.1: 7 of 1,613,788 alleles (0.00043%); highest among the groups gnomAD compares: African/African-American, 0.0093%; no homozygotes.

Submissions (2):

Labcorp Genetics (formerly Invitae), Labcorp
Classification: Uncertain significance for ALG12-congenital disorder of glycosylation. Last evaluated: 2025-08-21. Review status: criteria provided, single submitter. Criteria: Invitae Variant Classification Sherloc (09022015). Collection method: clinical testing. Allele origin: germline.
Comment: This sequence change replaces leucine, which is neutral and non-polar, with arginine, which is basic and polar, at codon 281 of the ALG12 protein (p.Leu281Arg). This variant is present in population databases (rs767435558, gnomAD 0.02%). This variant has not been reported in the literature in individuals affected with ALG12-related conditions. ClinVar contains an entry for this variant (Variation ID: 1465510). Invitae Evidence Modeling of protein sequence and biophysical properties (such as structural, functional, and spatial information, amino acid conservation, physicochemical variation, residue mobility, and thermodynamic stability) indicates that this missense variant is not expected to disrupt ALG12 protein function with a negative predictive value of 80%. In summary, the available evidence is currently insufficient to determine the role of this variant in disease. Therefore, it has been classified as a Variant of Uncertain Significance.

Ambry Genetics
Classification: Uncertain significance for Inborn genetic diseases. Last evaluated: 2025-03-03. Review status: criteria provided, single submitter. Criteria: Ambry Variant Classification Scheme 2023. Collection method: clinical testing. Allele origin: germline.